The following is an entry in ClinVar:

ClinVar aggregate classification (germline): Uncertain significance. Review status: criteria provided, multiple submitters, no conflicts (2 of 4 stars). 2 submissions from 2 submitters: Uncertain significance (2). Last evaluated 2025-08-08.

Allele frequency attached by ClinVar (database versions not stated): gnomAD exomes 0.00001.

Submissions (2):

Ambry Genetics
Classification: Uncertain significance. Last evaluated: 2025-08-08. Review status: criteria provided, single submitter. Criteria: Ambry Variant Classification Scheme 2023. Collection method: clinical testing. Allele origin: germline.

Labcorp Genetics (formerly Invitae), Labcorp
Classification: Uncertain significance. Last evaluated: 2022-08-11. Review status: criteria provided, single submitter. Criteria: Invitae Variant Classification Sherloc (09022015). Collection method: clinical testing. Allele origin: germline.
Comment: This variant is not present in population databases (gnomAD no frequency). In summary, the available evidence is currently insufficient to determine the role of this variant in disease. Therefore, it has been classified as a Variant of Uncertain Significance. Algorithms developed to predict the effect of missense changes on protein structure and function are either unavailable or do not agree on the potential impact of this missense change (SIFT: "Not Available"; PolyPhen-2: "Benign"; Align-GVGD: "Not Available"). This variant has not been reported in the literature in individuals affected with PIK3C2A-related conditions. This sequence change replaces valine, which is neutral and non-polar, with isoleucine, which is neutral and non-polar, at codon 1059 of the PIK3C2A protein (p.Val1059Ile).

NM_002645.4(PIK3C2A):c.3175G>A (p.Val1059Ile)

Gene: PIK3C2A (phosphatidylinositol-4-phosphate 3-kinase catalytic subunit type 2 alpha; minus strand). Cytogenetic location: 11p15.1.
Variant type: single nucleotide variant.
Coding change: c.3175G>A on transcript NM_002645.4 (MANE Select); coding-DNA position 3175, G replaced by A.
Protein change: p.Val1059Ile; replaces valine 1059 with isoleucine.
Molecular consequence: missense variant.
Genome position (GRCh38, 1-based): chr11:17,117,532, C>T on the plus strand (G>A on the coding strand, the complement: PIK3C2A is on the minus strand). VCF-style: chr11-17117532-C-T. GRCh37 (hg19) VCF-style: chr11-17139079-C-T.
Other names: c.3175G>A, p.Val1059Ile (NM_001321378.2); c.2035G>A, p.Val679Ile (NM_001321380.2); c.3007G>A, p.Val1003Ile (NM_001386870.1); c.3175G>A (NM_002645.2); short protein forms V1059I, V679I, V1003I.
Identifiers: ClinVar variation 1965214 (VCV001965214.6), dbSNP rs1849235820, ClinGen allele CA379759179.
Genomic context (GRCh38, chr11:17,117,532, plus strand): 5'-ACCTTTTATGGGTACATACCTGTCTGGCTGATCCACTAGCCTGCCTTACTTTTTCTGCTA[C>T]TCCTCCTAAAAGCTGTACAAGTTTCGTCTGTTTTAGAAGTTCTTCTCTAAGTCGTTTTCC-3'
Protein context (NP_002636.2, residues 1049-1069): QTKLVQLLGG[Val1059Ile]AEKVRQASGS